The following is an entry in ClinVar:

NM_005085.4(NUP214):c.2293A>G (p.Ile765Val)

Gene: NUP214 (nucleoporin 214; plus strand). Cytogenetic location: 9q34.13.
Variant type: single nucleotide variant.
Coding change: c.2293A>G on transcript NM_005085.4 (MANE Select); coding-DNA position 2293, A replaced by G.
Protein change: p.Ile765Val; replaces isoleucine 765 with valine.
Molecular consequence: missense variant.
Genome position (GRCh38, 1-based): chr9:131,151,751, A>G. VCF-style: chr9-131151751-A-G. GRCh37 (hg19) VCF-style: chr9-134027138-A-G.
Other names: NC_000009.11:g.134027138A>G; c.2263A>G, p.Ile755Val (NM_001318324.2); short protein forms I755V, I765V.
Identifiers: ClinVar variation 787709 (VCV000787709.30), dbSNP rs61756081, ClinGen allele CA5289279.
Genomic context (GRCh38, chr9:131,151,751, plus strand): 5'-GACGTAACAACTTTTTGTACCAACACATTATTGTACTTTTTCTAGTCGCTTCATGGAGAT[A>G]TAAGTAGCCTGAAAACAACTTTACTTGAGGGCTTTGCTGGTGTTGAGGAAGCCAGAGAAC-3'
Protein context (NP_005076.3, residues 755-775): KETTESLHGD[Ile765Val]SSLKTTLLEG

ClinVar aggregate classification (germline): Benign. Review status: criteria provided, multiple submitters, no conflicts (2 of 4 stars). 3 submissions from 3 submitters: Benign (3). Last evaluated 2026-08-01.

Allele frequency attached by ClinVar (database versions not stated): gnomAD 0.00458 and 0.00539; TOPMed 0.00504; ESP Exome Variant Server 0.00607; 1000 Genomes Project 30x 0.00874; gnomAD exomes 0.00895; 1000 Genomes Project 0.00919; ExAC 0.00974.
gnomAD v4.1: 13,397 of 1,611,380 alleles (0.83%); highest among the groups gnomAD compares: South Asian, 3%; 107 homozygotes.

Submissions (11):

CeGaT Center for Human Genetics Tuebingen
Classification: Benign. Last evaluated: 2026-08-01. Review status: criteria provided, single submitter. Criteria: CeGaT Center For Human Genetics Tuebingen Variant Classification Criteria Version 2. Collection method: clinical testing. Allele origin: germline. Affected: yes. Observed: 7 variant alleles.
Comment: NUP214: BS1, BS2

Labcorp Genetics (formerly Invitae), Labcorp
Classification: Benign. Last evaluated: 2019-12-31. Review status: criteria provided, single submitter. Criteria: Invitae Variant Classification Sherloc (09022015). Collection method: clinical testing. Allele origin: germline.

Breakthrough Genomics
Classification: Benign. Review status: criteria provided, single submitter. Criteria: ACMG Guidelines, 2015. Collection method: not provided. Allele origin: germline. Inheritance: Autosomal recessive inheritance. Affected: yes.

Dr. Peter K. Rogan Lab, Western University
No classification provided (evidence only). Condition: Clear cell carcinoma of kidney. Review status: no classification provided. Collection method: in vitro. Allele origin: not applicable. Functional consequence: retained intron. Not counted in ClinVar's aggregate classification.

Dr. Peter K. Rogan Lab, Western University
No classification provided (evidence only). Condition: Lung cancer. Review status: no classification provided. Collection method: in vitro. Allele origin: not applicable. Functional consequence: retained intron. Not counted in ClinVar's aggregate classification.

Dr. Peter K. Rogan Lab, Western University
No classification provided (evidence only). Condition: Colon adenocarcinoma. Review status: no classification provided. Collection method: in vitro. Allele origin: not applicable. Functional consequence: retained intron. Not counted in ClinVar's aggregate classification.

Dr. Peter K. Rogan Lab, Western University
No classification provided (evidence only). Condition: Thyroid cancer, nonmedullary, 1. Review status: no classification provided. Collection method: in vitro. Allele origin: not applicable. Functional consequence: retained intron. Not counted in ClinVar's aggregate classification.

Dr. Peter K. Rogan Lab, Western University
No classification provided (evidence only). Condition: Uterine corpus endometrial carcinoma. Review status: no classification provided. Collection method: in vitro. Allele origin: not applicable. Functional consequence: retained intron. Not counted in ClinVar's aggregate classification.

Dr. Peter K. Rogan Lab, Western University
No classification provided (evidence only). Condition: Cervical cancer. Review status: no classification provided. Collection method: in vitro. Allele origin: not applicable. Functional consequence: retained intron. Not counted in ClinVar's aggregate classification.

Dr. Peter K. Rogan Lab, Western University
No classification provided (evidence only). Condition: Sarcoma. Review status: no classification provided. Collection method: in vitro. Allele origin: not applicable. Functional consequence: retained intron. Not counted in ClinVar's aggregate classification.

Dr. Peter K. Rogan Lab, Western University
No classification provided (evidence only). Condition: Ovarian serous cystadenocarcinoma. Review status: no classification provided. Collection method: in vitro. Allele origin: not applicable. Functional consequence: retained intron. Not counted in ClinVar's aggregate classification.